The following is an entry in ClinVar:

ClinVar aggregate classification (germline): Uncertain significance. Review status: criteria provided, multiple submitters, no conflicts (2 of 4 stars). 2 submissions from 2 submitters: Uncertain significance (2). Last evaluated 2023-09-29.

Conditions:
Inborn genetic diseases. Identifiers: MedGen C0950123, MeSH D030342.
Larsen-like syndrome, B3GAT3 type. Also called: Multiple joint dislocations, short stature, craniofacial dysmorphism, with or without congenital heart defects; MULTIPLE JOINT DISLOCATIONS, SHORT STATURE, AND CRANIOFACIAL DYSMORPHISM WITH OR WITHOUT CONGENITAL HEART DEFECTS. Identifiers: Orphanet 284139, MedGen CN034159, MONDO:0009511, OMIM 245600.

Allele frequency attached by ClinVar (database versions not stated): gnomAD exomes 0.00002 and 0.00003; TOPMed 0.00002; gnomAD 0.00003; ExAC 0.00004.
gnomAD v4.1: 46 of 1,613,514 alleles (0.0029%); highest among the groups gnomAD compares: Non-Finnish European, 0.0037%; no homozygotes.

Submissions (2):

Ambry Genetics
Classification: Uncertain significance for Inborn genetic diseases. Last evaluated: 2023-09-29. Review status: criteria provided, single submitter. Criteria: Ambry Variant Classification Scheme 2023. Collection method: clinical testing. Allele origin: germline.

Labcorp Genetics (formerly Invitae), Labcorp
Classification: Uncertain significance for Larsen-like syndrome, B3GAT3 type. Last evaluated: 2022-05-22. Review status: criteria provided, single submitter. Criteria: Invitae Variant Classification Sherloc (09022015). Collection method: clinical testing. Allele origin: germline.
Comment: This sequence change replaces isoleucine, which is neutral and non-polar, with threonine, which is neutral and polar, at codon 333 of the B3GAT3 protein (p.Ile333Thr). This variant is present in population databases (rs763747195, gnomAD 0.008%). This variant has not been reported in the literature in individuals affected with B3GAT3-related conditions. Algorithms developed to predict the effect of missense changes on protein structure and function are either unavailable or do not agree on the potential impact of this missense change (SIFT: "Tolerated"; PolyPhen-2: "Possibly Damaging"; Align-GVGD: "Class C0"). In summary, the available evidence is currently insufficient to determine the role of this variant in disease. Therefore, it has been classified as a Variant of Uncertain Significance.

NM_012200.4(B3GAT3):c.998T>C (p.Ile333Thr)

Gene: B3GAT3 (beta-1,3-glucuronyltransferase 3; minus strand). Cytogenetic location: 11q12.3.
Variant type: single nucleotide variant.
Coding change: c.998T>C on transcript NM_012200.4 (MANE Select); coding-DNA position 998, T replaced by C.
Protein change: p.Ile333Thr; replaces isoleucine 333 with threonine.
Molecular consequence: missense variant. On other transcripts: 3 prime UTR variant (2), non-coding transcript variant (1).
Genome position (GRCh38, 1-based): chr11:62,615,711, A>G on the plus strand (T>C on the coding strand, the complement: B3GAT3 is on the minus strand). VCF-style: chr11-62615711-A-G. GRCh37 (hg19) VCF-style: chr11-62383183-A-G.
Other names: c.977T>C, p.Ile326Thr (NM_001288721.2); c.*475T>C (NM_001288722.2); c.*491T>C (NM_001288723.2); c.998T>C (NM_012200.3); short protein forms I326T, I333T.
Identifiers: ClinVar variation 1401747 (VCV001401747.6), dbSNP rs763747195, ClinGen allele CA6049934.